The following is an entry in ClinVar:

ClinVar aggregate classification (germline): Conflicting classifications of pathogenicity. Review status: criteria provided, conflicting classifications (1 of 4 stars). 2 submissions from 2 submitters: Uncertain significance (1); Likely benign (1). Last evaluated 2024-06-12.

Conditions:
Primary ciliary dyskinesia. Also called: Ciliary dyskinesia. Identifiers: Orphanet 244, MedGen C0008780, MONDO:0016575, HP:0012265.

Allele frequency attached by ClinVar (database versions not stated): gnomAD exomes 0.00008; ExAC 0.00009; gnomAD 0.00040 and 0.00044; ESP Exome Variant Server 0.00046; TOPMed 0.00047.
gnomAD v4.1: 102 of 1,613,404 alleles (0.0063%); highest among the groups gnomAD compares: African/African-American, 0.13%; no homozygotes.

Submissions (2):

Ambry Genetics
Classification: Likely benign for Primary ciliary dyskinesia. Last evaluated: 2024-06-12. Review status: criteria provided, single submitter. Criteria: Ambry Variant Classification Scheme 2023. Collection method: clinical testing. Allele origin: germline.

Labcorp Genetics (formerly Invitae), Labcorp
Classification: Uncertain significance for Primary ciliary dyskinesia. Last evaluated: 2021-11-06. Review status: criteria provided, single submitter. Criteria: Invitae Variant Classification Sherloc (09022015). Collection method: clinical testing. Allele origin: germline.
Comment: This sequence change replaces glycine, which is neutral and non-polar, with glutamic acid, which is acidic and polar, at codon 599 of the DNAAF5 protein (p.Gly599Glu). This variant is present in population databases (rs149924115, gnomAD 0.2%). This variant has not been reported in the literature in individuals affected with DNAAF5-related conditions. ClinVar contains an entry for this variant (Variation ID: 970102). Algorithms developed to predict the effect of missense changes on protein structure and function are either unavailable or do not agree on the potential impact of this missense change (SIFT: "Deleterious"; PolyPhen-2: "Probably Damaging"; Align-GVGD: "Class C0"). In summary, the available evidence is currently insufficient to determine the role of this variant in disease. Therefore, it has been classified as a Variant of Uncertain Significance.

NM_017802.4(DNAAF5):c.1796G>A (p.Gly599Glu)

Gene: DNAAF5 (dynein axonemal assembly factor 5; plus strand). Cytogenetic location: 7p22.3.
Variant type: single nucleotide variant.
Coding change: c.1796G>A on transcript NM_017802.4 (MANE Select); coding-DNA position 1796, G replaced by A.
Protein change: p.Gly599Glu; replaces glycine 599 with glutamic acid.
Molecular consequence: missense variant. On other transcripts: non-coding transcript variant (1).
Genome position (GRCh38, 1-based): chr7:770,483, G>A. VCF-style: chr7-770483-G-A. GRCh37 (hg19) VCF-style: chr7-810120-G-A.
Other names: short protein forms G599E.
Identifiers: ClinVar variation 970102 (VCV000970102.7), dbSNP rs149924115, ClinGen allele CA4110934.